The following is an entry in ClinVar:

ClinVar aggregate classification (germline): Uncertain significance (0 of 4 stars; one submission).

Conditions:
PSMD12-related disorder. Also called: PSMD12-related condition.

Submission:

PreventionGenetics, part of Exact Sciences
Classification: Uncertain significance for PSMD12-related condition. Last evaluated: 2024-02-23. Review status: no assertion criteria provided. Collection method: clinical testing. Allele origin: germline.
Comment: The PSMD12 c.967G>A variant is predicted to result in the amino acid substitution p.Asp323Asn. To our knowledge, this variant has not been reported in the literature or in a large population database, indicating this variant is rare. At this time, the clinical significance of this variant is uncertain due to the absence of conclusive functional and genetic evidence.

NM_002816.5(PSMD12):c.967G>A (p.Asp323Asn)

Gene: PSMD12 (proteasome 26S subunit, non-ATPase 12; minus strand). Cytogenetic location: 17q24.2.
Variant type: single nucleotide variant.
Coding change: c.967G>A on transcript NM_002816.5 (MANE Select); coding-DNA position 967, G replaced by A.
Protein change: p.Asp323Asn; replaces aspartic acid 323 with asparagine.
Molecular consequence: missense variant.
Genome position (GRCh38, 1-based): chr17:67,344,722, C>T on the plus strand (G>A on the coding strand, the complement: PSMD12 is on the minus strand). VCF-style: chr17-67344722-C-T. GRCh37 (hg19) VCF-style: chr17-65340838-C-T.
Other names: c.790G>A, p.Asp264Asn (NM_001316341.2); c.907G>A, p.Asp303Asn (NM_174871.4); short protein forms D264N, D303N, D323N.
Identifiers: ClinVar variation 3037338 (VCV003037338.2), dbSNP rs2509681697, ClinGen allele CA400804028.